The following is an entry in ClinVar:

NM_000179.3(MSH6):c.184C>A (p.Arg62Ser)

Gene: MSH6 (mutS homolog 6; plus strand). Cytogenetic location: 2p16.3.
Variant type: single nucleotide variant.
Coding change: c.184C>A on transcript NM_000179.3 (MANE Select); coding-DNA position 184, C replaced by A.
Protein change: p.Arg62Ser; replaces arginine 62 with serine.
Molecular consequence: missense variant. On other transcripts: 5 prime UTR variant (1).
Genome position (GRCh38, 1-based): chr2:47,783,417, C>A. VCF-style: chr2-47783417-C-A. GRCh37 (hg19) VCF-style: chr2-48010556-C-A.
Other names: c.184C>A, p.Arg62Ser (NM_001281492.2); c.-553C>A (NM_001281493.2); short protein forms R62S.
Identifiers: ClinVar variation 232033 (VCV000232033.21), dbSNP rs876659508, ClinGen allele CA10578027.

ClinVar aggregate classification (germline): Conflicting classifications of pathogenicity. Review status: criteria provided, conflicting classifications (1 of 4 stars). 8 submissions from 8 submitters: Uncertain significance (3); Benign (1); Likely benign (4). Last evaluated 2025-10-30.

Conditions:
Lynch syndrome 5 (LYNCH5). Also called: Colorectal cancer, hereditary nonpolyposis, type 5; Hereditary non-polyposis colorectal cancer, type 5. Identifiers: Orphanet 144, MedGen C1833477, MONDO:0013710, OMIM 614350. Disease mechanism: loss of function.
Lynch syndrome. Identifiers: Orphanet 144, MedGen C4552100, MONDO:0005835. Disease mechanism: loss of function.
Hereditary nonpolyposis colorectal neoplasms. Identifiers: MedGen C0009405, MeSH D003123.
Hereditary cancer-predisposing syndrome. Also called: Neoplastic Syndromes, Hereditary; Tumor predisposition; Hereditary Cancer Syndrome; Hereditary neoplastic syndrome. Identifiers: Orphanet 140162, MedGen C0027672, MeSH D009386, MONDO:0015356.

gnomAD v4.1: 7 of 1,516,972 alleles (0.00046%); highest among the groups gnomAD compares: Non-Finnish European, 0.00062%; no homozygotes.

Submissions (8):

Labcorp Genetics (formerly Invitae), Labcorp
Classification: Benign for Hereditary nonpolyposis colorectal neoplasms. Last evaluated: 2025-10-30. Review status: criteria provided, single submitter. Criteria: Invitae Variant Classification Sherloc (09022015). Collection method: clinical testing. Allele origin: germline.

Molecular Pathology, Peter Maccallum Cancer Centre
Classification: Uncertain significance for Lynch syndrome 5. Last evaluated: 2025-05-16. Review status: criteria provided, single submitter. Criteria: ACMG Guidelines, 2015. Collection method: clinical testing. Allele origin: germline. Inheritance: Autosomal dominant inheritance.

All of Us Research Program, National Institutes of Health
Classification: Likely benign for Lynch syndrome. Last evaluated: 2023-12-18. Review status: criteria provided, single submitter. Criteria: ACMG Guidelines, 2015. Collection method: clinical testing. Allele origin: germline. Inheritance: Autosomal dominant inheritance. Observed: 1 variant allele, 1 heterozygote.
Comment: This study involves interpretation of variants in research participants for the purpose of population health screening. Participant phenotype was not available at the time of variant classification. Additional details can be found in publication PMID: 35346344, PMCID: PMC8962531

Department of Pathology and Laboratory Medicine, Sinai Health System
Classification: Uncertain significance for Lynch syndrome. Last evaluated: 2023-01-17. Review status: criteria provided, single submitter. Criteria: ACMG Guidelines, 2015. Collection method: clinical testing. Allele origin: germline. Affected: yes.

Sema4
Classification: Uncertain significance for Hereditary cancer-predisposing syndrome. Last evaluated: 2021-10-11. Review status: criteria provided, single submitter. Criteria: Sema4 Curation Guidelines. Collection method: curation. Allele origin: germline.
Comment: The MSH6 c.184C>A (p.R62S) variant has not been reported in the literature to our knowledge. It was observed in 1/47492 chromosomes of the Non-Finnish European subpopulation in the large and broad cohorts of the Genome Aggregation Database (PMID: 32461654). The variant has been reported in ClinVar (Variation ID: 232033). Functional studies have not been performed, and in silico predictions of the variant's effect on protein function are inconclusive. The evidence is insufficient to meet ACMG/AMP criteria for classifying the variant as benign or pathogenic. Thus, the clinical significance of this variant is currently uncertain.

GeneDx
Classification: Likely benign. Last evaluated: 2020-03-06. Review status: criteria provided, single submitter. Criteria: GeneDx Variant Classification Process June 2021. Collection method: clinical testing. Allele origin: germline. Affected: yes.

Ambry Genetics
Classification: Likely benign for Hereditary cancer-predisposing syndrome. Last evaluated: 2019-03-19. Review status: criteria provided, single submitter. Criteria: Ambry Variant Classification Scheme 2023. Collection method: clinical testing. Allele origin: germline.

Color Diagnostics, LLC DBA Color Health
Classification: Likely benign for Hereditary cancer-predisposing syndrome. Last evaluated: 2018-09-07. Review status: criteria provided, single submitter. Criteria: ACMG Guidelines, 2015. Collection method: clinical testing. Allele origin: germline.